The following is an entry in ClinVar:

NM_006208.3(ENPP1):c.332G>A (p.Arg111His)

Gene: ENPP1 (ectonucleotide pyrophosphatase/phosphodiesterase 1; plus strand). Cytogenetic location: 6q23.2.
Variant type: single nucleotide variant.
Coding change: c.332G>A on transcript NM_006208.3 (MANE Select); coding-DNA position 332, G replaced by A.
Protein change: p.Arg111His; replaces arginine 111 with histidine.
Molecular consequence: missense variant.
Genome position (GRCh38, 1-based): chr6:131,850,008, G>A. VCF-style: chr6-131850008-G-A. GRCh37 (hg19) VCF-style: chr6-132171148-G-A.
Other names: short protein forms R111H.
Identifiers: ClinVar variation 355337 (VCV000355337.11), dbSNP rs749866787, ClinGen allele CA4001872.
Genomic context (GRCh38, chr6:131,850,008, plus strand): 5'-ATAATGATTAGAAACATCTGACTTATCGTTCAATTTTTTCAGTTAAAAGTTGCAAAGGTC[G>A]CTGTTTCGAGAGAACATTTGGGAACTGTCGCTGTGATGCTGCCTGTGTTGAGCTTGGAAA-3'
Protein context (NP_006199.2, residues 101-121): CAKEVKSCKG[Arg111His]CFERTFGNCR

ClinVar aggregate classification (germline): Uncertain significance. Review status: criteria provided, multiple submitters, no conflicts (2 of 4 stars). 6 submissions from 5 submitters: Uncertain significance (6). Last evaluated 2024-12-18.

Conditions:
ENPP1-related disorder. Also called: ENPP1-related disorders; ENPP1-related condition.
Inborn genetic diseases. Identifiers: MedGen C0950123, MeSH D030342.
Hypophosphatemic rickets, autosomal recessive, 2 (ARHR2). Identifiers: Orphanet 289176, MedGen C2750078, MONDO:0013219, OMIM 613312.
Arterial calcification, generalized, of infancy, 1 (GACI1). Also called: Idiopathic Infantile Arterial Calcification. Identifiers: Orphanet 51608, MedGen C4551985, MONDO:0008817, OMIM 208000.

Allele frequency attached by ClinVar (database versions not stated): gnomAD exomes below 0.00001 and 0.00002; TOPMed below 0.00001; ExAC 0.00001.
gnomAD v4.1: 29 of 1,613,612 alleles (0.0018%); highest among the groups gnomAD compares: Non-Finnish European, 0.0024%; no homozygotes.

Submissions (6):

PreventionGenetics, part of Exact Sciences
Classification: Uncertain significance for ENPP1-related condition. Last evaluated: 2024-12-18. Review status: criteria provided, single submitter. Criteria: ACMG Guidelines, 2015. Collection method: clinical testing. Allele origin: germline.
Comment: The ENPP1 c.332G>A variant is predicted to result in the amino acid substitution p.Arg111His. To our knowledge, this variant has not been reported in the literature. This variant is reported in 0.0054% of alleles in individuals of East Asian descent in gnomAD. At this time, the clinical significance of this variant is uncertain due to the absence of conclusive functional and genetic evidence.

Ambry Genetics
Classification: Uncertain significance for Inborn genetic diseases. Last evaluated: 2024-12-10. Review status: criteria provided, single submitter. Criteria: Ambry Variant Classification Scheme 2023. Collection method: clinical testing. Allele origin: germline.

Blueprint Genetics
Classification: Uncertain significance. Last evaluated: 2024-03-12. Review status: criteria provided, single submitter. Criteria: ACMG Guidelines, 2015. Collection method: clinical testing. Allele origin: germline.

Labcorp Genetics (formerly Invitae), Labcorp
Classification: Uncertain significance. Last evaluated: 2023-04-09. Review status: criteria provided, single submitter. Criteria: Invitae Variant Classification Sherloc (09022015). Collection method: clinical testing. Allele origin: germline.
Comment: ClinVar contains an entry for this variant (Variation ID: 355337). This variant has not been reported in the literature in individuals affected with ENPP1-related conditions. This variant is present in population databases (rs749866787, gnomAD 0.006%). This sequence change replaces arginine, which is basic and polar, with histidine, which is basic and polar, at codon 111 of the ENPP1 protein (p.Arg111His). Advanced modeling of protein sequence and biophysical properties (such as structural, functional, and spatial information, amino acid conservation, physicochemical variation, residue mobility, and thermodynamic stability) performed at Invitae indicates that this missense variant is expected to disrupt ENPP1 protein function. In summary, the available evidence is currently insufficient to determine the role of this variant in disease. Therefore, it has been classified as a Variant of Uncertain Significance.

Illumina Laboratory Services, Illumina
Classification: Uncertain significance for Arterial calcification, generalized, of infancy, 1. Last evaluated: 2018-01-12. Review status: criteria provided, single submitter. Criteria: ICSL Variant Classification Criteria 13 December 2019. Collection method: clinical testing. Allele origin: germline.

Illumina Laboratory Services, Illumina
Classification: Uncertain significance for Hypophosphatemic rickets, autosomal recessive, 2. Last evaluated: 2018-01-12. Review status: criteria provided, single submitter. Criteria: ICSL Variant Classification Criteria 13 December 2019. Collection method: clinical testing. Allele origin: germline.